The following is an entry in ClinVar:

ClinVar aggregate classification (germline): Uncertain significance. Review status: criteria provided, multiple submitters, no conflicts (2 of 4 stars). 2 submissions from 2 submitters: Uncertain significance (2). Last evaluated 2023-02-26.

Conditions:
Dyskeratosis congenita, autosomal dominant 2. Identifiers: MedGen C3151443, MONDO:0013521, OMIM 613989.
Idiopathic Pulmonary Fibrosis. Also called: Idiopathic fibrosing alveolitis, chronic form; idiopathic fibrosing alveolitis. Identifiers: Orphanet 2032, MedGen C1800706, MeSH D054990, MONDO:0800504.
Dyskeratosis congenita. Identifiers: Orphanet 1775, MedGen C0265965, MONDO:0015780.

Submissions (2):

Ambry Genetics
Classification: Uncertain significance for Dyskeratosis congenita. Last evaluated: 2023-02-26. Review status: criteria provided, single submitter. Criteria: Ambry Variant Classification Scheme 2023. Collection method: clinical testing. Allele origin: germline.
Comment: The p.Q454R variant (also known as c.1361A>G), located in coding exon 2 of the TERT gene, results from an A to G substitution at nucleotide position 1361. The glutamine at codon 454 is replaced by arginine, an amino acid with highly similar properties. This amino acid position is conserved. In addition, the in silico prediction for this alteration is inconclusive. Since supporting evidence is limited at this time, the clinical significance of this alteration remains unclear.

Labcorp Genetics (formerly Invitae), Labcorp
Classification: Uncertain significance for Dyskeratosis congenita, autosomal dominant 2; Idiopathic Pulmonary Fibrosis. Last evaluated: 2022-01-12. Review status: criteria provided, single submitter. Criteria: Invitae Variant Classification Sherloc (09022015). Collection method: clinical testing. Allele origin: germline.
Comment: This variant has not been reported in the literature in individuals affected with TERT-related conditions. This sequence change replaces glutamine, which is neutral and polar, with arginine, which is basic and polar, at codon 454 of the TERT protein (p.Gln454Arg). This variant is not present in population databases (gnomAD no frequency). Algorithms developed to predict the effect of missense changes on protein structure and function output the following: SIFT: "Tolerated"; PolyPhen-2: "Benign"; Align-GVGD: "Class C0". The arginine amino acid residue is found in multiple mammalian species, which suggests that this missense change does not adversely affect protein function. In summary, the available evidence is currently insufficient to determine the role of this variant in disease. Therefore, it has been classified as a Variant of Uncertain Significance.

NM_198253.3(TERT):c.1361A>G (p.Gln454Arg)

Gene: TERT (telomerase reverse transcriptase; minus strand). Cytogenetic location: 5p15.33.
Variant type: single nucleotide variant.
Coding change: c.1361A>G on transcript NM_198253.3 (MANE Select); coding-DNA position 1361, A replaced by G.
Protein change: p.Gln454Arg; replaces glutamine 454 with arginine.
Molecular consequence: missense variant. On other transcripts: non-coding transcript variant (2).
Genome position (GRCh38, 1-based): chr5:1,293,525, T>C on the plus strand (A>G on the coding strand, the complement: TERT is on the minus strand). VCF-style: chr5-1293525-T-C. GRCh37 (hg19) VCF-style: chr5-1293640-T-C.
Other names: c.1361A>G, p.Gln454Arg (NM_001193376.3); c.1361A>G (NM_198253.2); short protein forms Q454R.
Identifiers: ClinVar variation 1519732 (VCV001519732.10), dbSNP rs2126684552, ClinGen allele CA359086020.
Genomic context (GRCh38, chr5:1,293,525, plus strand): 5'-GGCACCAGCCGGCGCAGGCAGGCCCGCACGAAGCCGTACACCTGCCAGGGGCTGCTGTGC[T>C]GGCGGAGCAGCTGCACCAGGCGACGGGGGTCTGTGTCCTCCTCCTCGGGGGCCGCCACAG-3'
Protein context (NP_937983.2, residues 444-464): DPRRLVQLLR[Gln454Arg]HSSPWQVYGF